The following is an entry in ClinVar:

NM_015215.4(CAMTA1):c.510+5G>A

Gene: CAMTA1 (calmodulin binding transcription activator 1; plus strand). Cytogenetic location: 1p36.23.
Variant type: single nucleotide variant.
Coding change: c.510+5G>A on transcript NM_015215.4 (MANE Select); 5 bases into the intron after coding-DNA position 510, G replaced by A.
Molecular consequence: intron variant.
Genome position (GRCh38, 1-based): chr1:7,467,906, G>A. VCF-style: chr1-7467906-G-A. GRCh37 (hg19) VCF-style: chr1-7527966-G-A.
Other names: c.510+5G>A (NM_001349609.2, NM_001349610.2, NM_001410737.1); c.439-172494G>A (NM_001410738.1); c.420+5G>A (NM_001349608.2, NM_001349612.2).
Identifiers: ClinVar variation 4281910 (VCV004281910.1).

ClinVar aggregate classification (germline): Uncertain significance (1 of 4 stars; one submission).

Submission:

GeneDx
Classification: Uncertain significance. Last evaluated: 2025-04-08. Review status: criteria provided, single submitter. Criteria: GeneDx Variant Classification Process June 2021. Collection method: clinical testing. Allele origin: germline. Affected: yes.
Comment: Not observed at significant frequency in large population cohorts (gnomAD); In silico analysis indicates that this variant does not alter splicing; Has not been previously published as pathogenic or benign to our knowledge